The following is an entry in ClinVar:

NM_006389.5(HYOU1):c.2272G>A (p.Glu758Lys)

Gene: HYOU1 (hypoxia up-regulated 1; minus strand). Cytogenetic location: 11q23.3.
Variant type: single nucleotide variant.
Coding change: c.2272G>A on transcript NM_006389.5 (MANE Select); coding-DNA position 2272, G replaced by A.
Protein change: p.Glu758Lys; replaces glutamic acid 758 with lysine.
Molecular consequence: missense variant.
Genome position (GRCh38, 1-based): chr11:119,048,352, C>T on the plus strand (G>A on the coding strand, the complement: HYOU1 is on the minus strand). VCF-style: chr11-119048352-C-T. GRCh37 (hg19) VCF-style: chr11-118919064-C-T.
Other names: c.2272G>A, p.Glu758Lys (NM_001130991.3, NM_001411041.1); short protein forms E758K.
Identifiers: ClinVar variation 4748542 (VCV004748542.1).
Genomic context (GRCh38, chr11:119,048,352, plus strand): 5'-CGGCGCTGAGCTTCCCAGAGATCTCCTCACGCTGCTCCTCTGTGGACACTTCCTGGTACT[C>T]GGGCTGGTACAGCTTGTCCTGGGGAGGGGGACATGTAAACACATGCACCCACAAGCCCAG-3'
Protein context (NP_006380.1, residues 748-768): FETQDKLYQP[Glu758Lys]YQEVSTEEQR

ClinVar aggregate classification (germline): Uncertain significance (1 of 4 stars; one submission).

gnomAD v4.1: 22 of 1,609,404 alleles (0.0014%); highest among the groups gnomAD compares: South Asian, 0.011%; no homozygotes.

Submission:

Labcorp Genetics (formerly Invitae), Labcorp
Classification: Uncertain significance. Last evaluated: 2025-09-07. Review status: criteria provided, single submitter. Criteria: Invitae Variant Classification Sherloc (09022015). Collection method: clinical testing. Allele origin: germline.
Comment: This sequence change replaces glutamic acid, which is acidic and polar, with lysine, which is basic and polar, at codon 758 of the HYOU1 protein (p.Glu758Lys). This variant is present in population databases (rs782303315, gnomAD 0.02%). This variant has not been reported in the literature in individuals affected with HYOU1-related conditions. An algorithm developed to predict the effect of missense changes on protein structure and function (PolyPhen-2) suggests that this variant is likely to be disruptive. In summary, the available evidence is currently insufficient to determine the role of this variant in disease. Therefore, it has been classified as a Variant of Uncertain Significance.